The following is an entry in ClinVar:

ClinVar aggregate classification (germline): Benign. Review status: criteria provided, single submitter (1 of 4 stars). 2 submissions from 1 submitter: Benign (2). Last evaluated 2018-01-13.

Conditions:
Charcot-Marie-Tooth disease recessive intermediate A (CMTRIA). Also called: CHARCOT-MARIE-TOOTH NEUROPATHY, RECESSIVE INTERMEDIATE A. Identifiers: Orphanet 217055, MedGen C1842197, MONDO:0012014, OMIM 608340.
Charcot-Marie-Tooth disease, axonal, with vocal cord paresis, autosomal recessive. Also called: CHARCOT-MARIE-TOOTH DISEASE, TYPE 4A, AXONAL FORM; CHARCOT-MARIE-TOOTH NEUROPATHY, AXONAL, WITH VOCAL CORD PARESIS, AUTOSOMAL RECESSIVE; CMT2 WITH VOCAL CORD PARESIS, AUTOSOMAL RECESSIVE. Identifiers: Orphanet 101097, MedGen C1843183, MONDO:0011898, OMIM 607706.

Allele frequency attached by ClinVar (database versions not stated): ExAC 0.00028; gnomAD exomes 0.00065 and 0.00127; gnomAD 0.00479 and 0.00513; 1000 Genomes Project 30x 0.00562; TOPMed 0.00564; 1000 Genomes Project 0.00579.
gnomAD v4.1: 953 of 453,846 alleles (0.21%); highest among the groups gnomAD compares: African/African-American, 1.5%; 9 homozygotes.

Submissions (2):

Illumina Laboratory Services, Illumina
Classification: Benign for Charcot-Marie-Tooth disease, axonal, with vocal cord paresis, autosomal recessive. Last evaluated: 2018-01-13. Review status: criteria provided, single submitter. Criteria: ICSL Variant Classification Criteria 13 December 2019. Collection method: clinical testing. Allele origin: germline.
Comment: This variant was observed in the ICSL laboratory as part of a predisposition screen in an ostensibly healthy population. It had not been previously curated by ICSL or reported in the Human Gene Mutation Database (HGMD: prior to June 1st, 2018), and was therefore a candidate for classification through an automated scoring system. Utilizing variant allele frequency, disease prevalence and penetrance estimates, and inheritance mode, an automated score was calculated to assess if this variant is too frequent to cause the disease. Based on the score and internal cut-off values, a variant classified as benign is not then subjected to further curation. The score for this variant resulted in a classification of benign for this disease.

Illumina Laboratory Services, Illumina
Classification: Benign for Charcot-Marie-Tooth disease recessive intermediate A. Last evaluated: 2018-01-13. Review status: criteria provided, single submitter. Criteria: ICSL Variant Classification Criteria 13 December 2019. Collection method: clinical testing. Allele origin: germline.
Comment: the same text as in the submission from Illumina Laboratory Services, Illumina above.

NM_018972.4(GDAP1):c.*2244T>C

Gene: GDAP1 (ganglioside induced differentiation associated protein 1; plus strand). Cytogenetic location: 8q21.11.
Variant type: single nucleotide variant.
Coding change: c.*2244T>C on transcript NM_018972.4 (MANE Select); 2244 bases downstream of the stop codon, T replaced by C.
Molecular consequence: 3 prime UTR variant. On other transcripts: intron variant (1).
Genome position (GRCh38, 1-based): chr8:74,366,611, T>C. VCF-style: chr8-74366611-T-C. GRCh37 (hg19) VCF-style: chr8-75278846-T-C.
Other names: c.*2244T>C (NM_001040875.4, NM_001362929.2, NM_001362930.2 and 1 more transcripts); c.694+3558T>C (NM_001362931.2).
Identifiers: ClinVar variation 911011 (VCV000911011.4), dbSNP rs113763295, ClinGen allele CA4785363.